The following is an entry in ClinVar:

ClinVar aggregate classification (germline): Likely pathogenic. Review status: criteria provided, multiple submitters, no conflicts (2 of 4 stars). 3 submissions from 3 submitters: Likely pathogenic (2). 1 of the submissions does not count toward it. Last evaluated 2024-08-30.

Conditions:
Cardiovascular phenotype. Identifiers: MedGen CN230736.
Dilated cardiomyopathy 1G (CMD1G). Identifiers: Orphanet 154, MedGen C1858763, MONDO:0011400, OMIM 604145.
Autosomal recessive limb-girdle muscular dystrophy type 2J (LGMDR10). Also called: Limb-girdle muscular dystrophy, type 2J; MUSCULAR DYSTROPHY, LIMB-GIRDLE, AUTOSOMAL RECESSIVE 10. Identifiers: Orphanet 140922, MedGen C1837342, MONDO:0012127, OMIM 608807.

Submissions (3):

Labcorp Genetics (formerly Invitae), Labcorp
Classification: Likely pathogenic for Dilated cardiomyopathy 1G; Autosomal recessive limb-girdle muscular dystrophy type 2J. Last evaluated: 2024-08-30. Review status: criteria provided, single submitter. Criteria: Invitae Variant Classification Sherloc (09022015). Collection method: clinical testing. Allele origin: germline.
Comment: This sequence change creates a premature translational stop signal (p.Val20465Aspfs*14) in the TTN gene. While this is not anticipated to result in nonsense mediated decay, it is expected to create a truncated TTN protein. This variant is not present in population databases (gnomAD no frequency). This variant has not been reported in the literature in individuals affected with TTN-related conditions. ClinVar contains an entry for this variant (Variation ID: 1495800). This variant is located in the A band of TTN (PMID: 25589632). Truncating variants in this region are significantly overrepresented in patients affected with dilated cardiomyopathy (PMID: 25589632). Truncating variants in this region have also been reported in individuals affected with autosomal recessive centronuclear myopathy (PMID: 23975875). In summary, the currently available evidence indicates that the variant is pathogenic, but additional data are needed to prove that conclusively. Therefore, this variant has been classified as Likely Pathogenic.

Ambry Genetics
Classification: Likely pathogenic for Cardiovascular phenotype. Last evaluated: 2019-09-03. Review status: criteria provided, single submitter. Criteria: Ambry Variant Classification Scheme 2023. Collection method: clinical testing. Allele origin: germline.
Comment: The c.34199_34200delTG variant, located in coding exon 131 of the TTN gene, results from a deletion of two nucleotides at nucleotide positions 34199 to 34200, causing a translational frameshift with a predicted alternate stop codon (p.V11400Dfs*14). This exon is located in the A-band region of the N2-B isoform of the titin protein and is constitutively expressed in TTN transcripts (percent spliced in or PSI 100%). This alteration is expected to result in loss of function by premature protein truncation or nonsense-mediated mRNA decay. While truncating variants in TTN are present in 1-3% of the general population, truncating variants in the A-band are the most common cause of dilated cardiomyopathy (DCM) (Herman DS et al. N. Engl. J. Med., 2012 Feb;366:619-28; Roberts AM et al. Sci Transl Med, 2015 Jan;7:270ra6). TTN truncating variants encoded in constitutive exons (PSI >90%) have been found to be significantly associated with DCM regardless of their position in titin (Schafer S et al. Nat. Genet., 2017 01;49:46-53). As such, this alteration is classified as likely pathogenic.

Cardiogenetics and Myogenetics Molecular and Cellular Functional Unit, Aphp Sorbonne University-Hopital Pitie Salpetriere
Classification: Likely pathogenic for Dilated cardiomyopathy 1G. Last evaluated: 2024-01-06. Review status: no assertion criteria provided. Collection method: clinical testing. Allele origin: germline. Affected: yes. Not counted in ClinVar's aggregate classification.

Literature cited by the submitters: PubMed 25589632 (cited by Labcorp Genetics (formerly Invitae), Labcorp); PubMed 23975875 (cited by Labcorp Genetics (formerly Invitae), Labcorp).

NM_001267550.2(TTN):c.61394_61395del (p.Val20465fs)

Genes: TTN (titin; minus strand), TTN-AS1 (TTN antisense RNA 1; plus strand). Cytogenetic location: 2q31.2.
Variant type: Microsatellite.
Coding change: c.61394_61395del on transcript NM_001267550.2 (MANE Select); coding-DNA positions 61394 to 61395, 2 bases deleted (TG; older notation c.61394_61395delTG).
Protein change: p.Val20465fs; shifts the reading frame from valine 20465.
Molecular consequence: frameshift variant.
Genome position (GRCh38, 1-based): chr2:178,590,330-178,590,331, CA deleted on the plus strand (TG on the coding strand, the reverse complement: TTN is on the minus strand); deleting any 2 consecutive bases within chr2:178,590,330-178,590,333 gives the same sequence; the c. name uses the placement nearest the transcript's 3' end. VCF-style (leftmost placement, unchanged base first): chr2-178590329-TCA-T. GRCh37 (hg19) VCF-style: chr2-179455056-TCA-T.
Other names: c.34199_34200delTG (NM_003319.4); c.56471_56472del, p.Val18824fs (NM_001256850.1); c.34199_34200del, p.Val11400fs (NM_003319.4); c.53690_53691del, p.Val17897fs (NM_133378.4); c.34574_34575del, p.Val11525fs (NM_133432.3); c.34775_34776del, p.Val11592fs (NM_133437.4); short protein forms V11525fs, V11592fs, V17897fs, V11400fs, V18824fs, V20465fs.
Identifiers: ClinVar variation 1495800 (VCV001495800.9), dbSNP rs2154184320, ClinGen allele CA2580614502.